The following is an entry in ClinVar:

ClinVar aggregate classification (germline): Conflicting classifications of pathogenicity. Review status: criteria provided, conflicting classifications (1 of 4 stars). 4 submissions from 4 submitters: Uncertain significance (3); Likely benign (1). Last evaluated 2026-03-01.

Conditions:
Wilson-Turner syndrome (WTS). Also called: MENTAL RETARDATION, X-LINKED, SYNDROMIC 6; INTELLECTUAL DEVELOPMENTAL DISORDER, X-LINKED, SYNDROMIC, WILSON-TURNER TYPE. Identifiers: Orphanet 3459, MedGen C1839736, MONDO:0010665, OMIM 309585.

Allele frequency attached by ClinVar (database versions not stated): TOPMed 0.00004; gnomAD 0.00005.
gnomAD v4.1: 59 of 1,208,726 alleles (0.0049%); highest among the groups gnomAD compares: Non-Finnish European, 0.0063%; 1 homozygote.

Submissions (4):

CeGaT Center for Human Genetics Tuebingen
Classification: Likely benign. Last evaluated: 2026-03-01. Review status: criteria provided, single submitter. Criteria: CeGaT Center For Human Genetics Tuebingen Variant Classification Criteria Version 2. Collection method: clinical testing. Allele origin: germline. Affected: yes. Observed: 2 variant alleles.
Comment: LAS1L: BP4, BS2

Labcorp Genetics (formerly Invitae), Labcorp
Classification: Uncertain significance for Wilson-Turner syndrome. Last evaluated: 2022-06-20. Review status: criteria provided, single submitter. Criteria: Invitae Variant Classification Sherloc (09022015). Collection method: clinical testing. Allele origin: germline.
Comment: This sequence change replaces glycine, which is neutral and non-polar, with alanine, which is neutral and non-polar, at codon 631 of the LAS1L protein (p.Gly631Ala). This variant is present in population databases (rs371394378, gnomAD 0.005%). In summary, the available evidence is currently insufficient to determine the role of this variant in disease. Therefore, it has been classified as a Variant of Uncertain Significance. Algorithms developed to predict the effect of missense changes on protein structure and function output the following: SIFT: "Tolerated"; PolyPhen-2: "Benign"; Align-GVGD: "Class C0". The alanine amino acid residue is found in multiple mammalian species, which suggests that this missense change does not adversely affect protein function. ClinVar contains an entry for this variant (Variation ID: 464823). This variant has not been reported in the literature in individuals affected with LAS1L-related conditions.

Ambry Genetics
Classification: Uncertain significance. Last evaluated: 2021-08-02. Review status: criteria provided, single submitter. Criteria: Ambry Variant Classification Scheme 2023. Collection method: clinical testing. Allele origin: germline.

ARUP Laboratories, Molecular Genetics and Genomics, ARUP Laboratories
Classification: Uncertain significance for Wilson-Turner syndrome. Review status: criteria provided, single submitter. Criteria: ARUP Molecular Germline Variant Investigation Process 2024. Collection method: clinical testing. Allele origin: germline.

NM_031206.7(LAS1L):c.1892G>C (p.Gly631Ala)

Gene: LAS1L (LAS1 like ribosome biogenesis factor; minus strand). Cytogenetic location: Xq12.
Variant type: single nucleotide variant.
Coding change: c.1892G>C on transcript NM_031206.7 (MANE Select); coding-DNA position 1892, G replaced by C.
Protein change: p.Gly631Ala; replaces glycine 631 with alanine.
Molecular consequence: missense variant. On other transcripts: non-coding transcript variant (1).
Genome position (GRCh38, 1-based): chrX:65,518,022, C>G on the plus strand (G>C on the coding strand, the complement: LAS1L is on the minus strand). VCF-style: chrX-65518022-C-G. GRCh37 (hg19) VCF-style: chrX-64737902-C-G.
Other names: c.1841G>C, p.Gly614Ala (NM_001170649.2, NM_001375333.1); c.1715G>C, p.Gly572Ala (NM_001170650.2); c.1892G>C, p.Gly631Ala (NM_001375328.1); c.935G>C, p.Gly312Ala (NM_001375332.1); short protein forms G631A, G572A, G614A, G312A.
Identifiers: ClinVar variation 464823 (VCV000464823.17), dbSNP rs371394378, ClinGen allele CA10433863.